The following is an entry in ClinVar:

ClinVar aggregate classification (germline): Uncertain significance (1 of 4 stars; one submission).

Conditions:
Aural atresia, congenital (CAA). Also called: AURAL ATRESIA, CONGENITAL, WITH HYPOSMIA. Identifiers: MedGen C1842937, MONDO:0011921, OMIM 607842.

Submission:

Laboratorio de Genetica e Diagnostico Molecular, Hospital Israelita Albert Einstein
Classification: Uncertain significance for Aural atresia, congenital. Last evaluated: 2025-06-15. Review status: criteria provided, single submitter. Criteria: ACMG Guidelines, 2015. Collection method: clinical testing. Allele origin: germline. Affected: yes.
Comment: ACMG classification criteria: PVS1 moderate, PM2 supporting

NM_001308210.2(TSHZ1):c.469_470del (p.Thr157fs)

Gene: TSHZ1 (teashirt zinc finger homeobox 1; plus strand). Cytogenetic location: 18q22.3.
Variant type: Deletion.
Coding change: c.469_470del on transcript NM_001308210.2 (MANE Select); coding-DNA positions 469 to 470, 2 bases deleted (AC; older notation c.469_470delAC).
Protein change: p.Thr157fs; shifts the reading frame from threonine 157.
Molecular consequence: frameshift variant.
Genome position (GRCh38, 1-based): chr18:75,285,876-75,285,877, AC deleted; deleting any 2 consecutive bases within chr18:75,285,875-75,285,877 gives the same sequence; the c. name uses the placement nearest the transcript's 3' end. VCF-style (leftmost placement, unchanged base first): chr18-75285874-CCA-C. GRCh37 (hg19) VCF-style: chr18-72997829-CCA-C.
Other names: c.334_335del, p.Thr112fs (NM_005786.6); short protein forms T112fs, T157fs.
Identifiers: ClinVar variation 4846954 (VCV004846954.1).
Genomic context (GRCh38, chr18:75,285,874, plus strand): 5'-TAAAGAAGTCGGGTTCCACCACCAGCACCAACGATGCCAGCCAGAAGGAGAGCTCCGCCC[CCA>C]CCCCCACACCCCCCACCTGCCCCGTCAGCACCACTGGCCCCACCACGAGCACGCCCAGCA-3'